The following is an entry in ClinVar:

NM_005993.5(TBCD):c.2389G>A (p.Gly797Ser)

Gene: TBCD (tubulin folding cofactor D). Cytogenetic location: 17q25.3.
Variant type: single nucleotide variant.
Coding change: c.2389G>A on transcript NM_005993.5 (MANE Select); coding-DNA position 2389, G replaced by A.
Protein change: p.Gly797Ser; replaces glycine 797 with serine.
Molecular consequence: missense variant.
Genome position (GRCh38, 1-based): chr17:82,926,409, G>A. VCF-style: chr17-82926409-G-A. GRCh37 (hg19) VCF-style: chr17-80884285-G-A.
Other names: c.2338G>A, p.Gly780Ser (NM_001411101.1); c.2308G>A, p.Gly770Ser (NM_001411102.1); short protein forms G770S, G797S, G780S.
Identifiers: ClinVar variation 1982049 (VCV001982049.3), dbSNP rs2510723284, ClinGen allele CA401633812.

ClinVar aggregate classification (germline): Uncertain significance (1 of 4 stars; one submission).

gnomAD v4.1: 1 of 1,613,974 alleles (0.000062%); no homozygotes.

Submission:

Labcorp Genetics (formerly Invitae), Labcorp
Classification: Uncertain significance. Last evaluated: 2022-07-01. Review status: criteria provided, single submitter. Criteria: Invitae Variant Classification Sherloc (09022015). Collection method: clinical testing. Allele origin: germline.
Comment: In summary, the available evidence is currently insufficient to determine the role of this variant in disease. Therefore, it has been classified as a Variant of Uncertain Significance. Algorithms developed to predict the effect of missense changes on protein structure and function (SIFT, PolyPhen-2, Align-GVGD) all suggest that this variant is likely to be tolerated. This variant has not been reported in the literature in individuals affected with TBCD-related conditions. This variant is not present in population databases (gnomAD no frequency). This sequence change replaces glycine, which is neutral and non-polar, with serine, which is neutral and polar, at codon 797 of the TBCD protein (p.Gly797Ser).